The following is an entry in ClinVar:

NM_000138.5(FBN1):c.1830T>C (p.Tyr610=)

Gene: FBN1 (fibrillin 1; minus strand). Cytogenetic location: 15q21.1.
Variant type: single nucleotide variant.
Coding change: c.1830T>C on transcript NM_000138.5 (MANE Select); coding-DNA position 1830, T replaced by C.
Protein change: p.Tyr610=; no amino-acid change (tyrosine 610 retained).
Molecular consequence: synonymous variant.
Genome position (GRCh38, 1-based): chr15:48,508,589, A>G on the plus strand (T>C on the coding strand, the complement: FBN1 is on the minus strand). VCF-style: chr15-48508589-A-G. GRCh37 (hg19) VCF-style: chr15-48800786-A-G.
Identifiers: ClinVar variation 1545468 (VCV001545468.11), dbSNP rs1247219658, ClinGen allele CA490026924.
Genomic context (GRCh38, chr15:48,508,589, plus strand): 5'-AAGGAGGAGAAAAGGCACGTGAAGAACATGATCTAGGGTTTTATAGCACGAACCTTTGCA[A>G]TAACGTCCATCTGATGCCAGCTGGAATCCAGGTTTGCAAATACATTTAAAACTGCCATCT-3'
Protein context (NP_000129.3, residues 600-620): PGFQLASDGR[Tyr610=]CKDINECETP

ClinVar aggregate classification (germline): Likely benign. Review status: criteria provided, multiple submitters, no conflicts (2 of 4 stars). 4 submissions from 4 submitters: Likely benign (4). Last evaluated 2025-07-13.

Conditions:
Familial thoracic aortic aneurysm and aortic dissection (TAAD). Also called: Thoracic aortic aneurysms and dissections. Identifiers: Orphanet 91387, MedGen C4707243, MONDO:0019625.
Marfan syndrome (MFS). Also called: Marfan syndrome, classic; MARFAN SYNDROME, TYPE I; Marfan syndrome type 1; Marfan's syndrome; FBN1-Related Marfan Syndrome. Identifiers: Orphanet 284963, Orphanet 558, MedGen C0024796, MONDO:0007947, OMIM 154700.

Allele frequency attached by ClinVar (database versions not stated): gnomAD exomes below 0.00001.
gnomAD v4.1: 5 of 1,613,864 alleles (0.00031%); highest among the groups gnomAD compares: Middle Eastern, 0.017%; no homozygotes.

Submissions (4):

Labcorp Genetics (formerly Invitae), Labcorp
Classification: Likely benign for Marfan syndrome; Familial thoracic aortic aneurysm and aortic dissection. Last evaluated: 2025-07-13. Review status: criteria provided, single submitter. Criteria: Invitae Variant Classification Sherloc (09022015). Collection method: clinical testing. Allele origin: germline.

Women's Health and Genetics/Laboratory Corporation of America, LabCorp
Classification: Likely benign. Last evaluated: 2024-12-06. Review status: criteria provided, single submitter. Criteria: LabCorp Variant Classification Summary - May 2015. Collection method: clinical testing. Allele origin: germline.

All of Us Research Program, National Institutes of Health
Classification: Likely benign for Marfan syndrome. Last evaluated: 2024-02-22. Review status: criteria provided, single submitter. Criteria: ACMG Guidelines, 2015. Collection method: clinical testing. Allele origin: germline. Inheritance: Autosomal dominant inheritance. Observed: 1 variant allele, 1 heterozygote.
Comment: This study involves interpretation of variants in research participants for the purpose of population health screening. Participant phenotype was not available at the time of variant classification. Additional details can be found in publication PMID: 35346344, PMCID: PMC8962531

Color Diagnostics, LLC DBA Color Health
Classification: Likely benign for Familial thoracic aortic aneurysm and aortic dissection. Last evaluated: 2024-02-13. Review status: criteria provided, single submitter. Criteria: ACMG Guidelines, 2015. Collection method: clinical testing. Allele origin: germline.